The following is an entry in ClinVar:

NM_000059.4(BRCA2):c.3445A>G (p.Met1149Val)

Gene: BRCA2 (BRCA2 DNA repair associated; plus strand). Cytogenetic location: 13q13.1.
Variant type: single nucleotide variant.
Coding change: c.3445A>G on transcript NM_000059.4 (MANE Select); coding-DNA position 3445, A replaced by G.
Protein change: p.Met1149Val; replaces methionine 1149 with valine.
Molecular consequence: missense variant.
Genome position (GRCh38, 1-based): chr13:32,337,800, A>G. VCF-style: chr13-32337800-A-G. GRCh37 (hg19) VCF-style: chr13-32911937-A-G.
Other names: p.M1149V:ATG>GTG; NP_000050.3:p.Met1149Val; 3673A>G; short protein forms M1149V.
Identifiers: ClinVar variation 51465 (VCV000051465.89), dbSNP rs80358589, ClinGen allele CA018035.
Genomic context (GRCh38, chr13:32,337,800, plus strand): 5'-CAGTTTAGAAAACCAAGCTACATATTGCAGAAGAGTACATTTGAAGTGCCTGAAAACCAG[A>G]TGACTATCTTAAAGACCACTTCTGAGGAATGCAGAGATGCTGATCTTCATGTCATAATGA-3'
Protein context (NP_000050.3, residues 1139-1159): KSTFEVPENQ[Met1149Val]TILKTTSEEC

ClinVar aggregate classification (germline): Benign/Likely benign. Review status: criteria provided, multiple submitters, no conflicts (2 of 4 stars). 26 submissions from 26 submitters: Benign (8); Likely benign (10). 8 of the submissions do not count toward it. Last evaluated 2026-02-04.

Conditions:
BRCA2-related cancer predisposition. Identifiers: MedGen CN377758, MONDO:0700269.
BRCA2-related disorder. Also called: BRCA2-related condition; BRCA2-related disorders. Identifiers: MedGen CN239275.
Carcinoma of esophagus. Also called: Esophageal carcinoma; Oesophageal carcinoma. Identifiers: Orphanet 70482, MedGen C0152018, MONDO:0019086, HP:0011459.
Breast and/or ovarian cancer. Identifiers: MedGen CN221562.
Hereditary cancer-predisposing syndrome. Also called: Hereditary Cancer Syndrome; Tumor predisposition; Neoplastic Syndromes, Hereditary; Hereditary neoplastic syndrome. Identifiers: Orphanet 140162, MedGen C0027672, MeSH D009386, MONDO:0015356.
Hereditary breast ovarian cancer syndrome. Also called: Breast and ovarian cancer; BRCA1- and BRCA2-Associated Hereditary Breast and Ovarian Cancer; Hereditary breast and ovarian cancer; Hereditary breast and ovarian cancer syndrome (HBOC); Hereditary breast and ovarian cancer syndrome; Hereditary breast and/or ovarian cancer syndrome. Identifiers: Orphanet 145, MedGen C0677776, MeSH D061325, MONDO:0003582. Disease mechanism: loss of function.
Breast-ovarian cancer, familial, susceptibility to, 2 (BROVCA2). Also called: BRCA2 Hereditary Breast and Ovarian Cancer. Identifiers: Orphanet 145, MedGen C2675520, MONDO:0012933, OMIM 612555. Disease mechanism: loss of function.
Familial cancer of breast. Also called: BREAST CANCER, FAMILIAL; hereditary breast carcinoma; Hereditary breast cancer. Identifiers: Orphanet 227535, MedGen C0346153, MONDO:0016419, OMIM 114480. Disease mechanism: loss of function.
Malignant tumor of breast. Also called: Malignant breast neoplasm; Cancer breast. Identifiers: MedGen C0006142, MONDO:0007254. Disease mechanism: loss of function.

Allele frequency attached by ClinVar (database versions not stated): gnomAD 0.00013 and 0.00018; gnomAD exomes 0.00017 and 0.00004; ExAC 0.00021; ESP Exome Variant Server 0.00031; 1000 Genomes Project 30x 0.00094; 1000 Genomes Project 0.00100; TOPMed 0.00012.

Submissions 1 to 15 of 27:

Labcorp Genetics (formerly Invitae), Labcorp
Classification: Benign for Hereditary breast ovarian cancer syndrome. Last evaluated: 2026-02-04. Review status: criteria provided, single submitter. Criteria: Invitae Variant Classification Sherloc (09022015). Collection method: clinical testing. Allele origin: germline.

Molecular Diagnostics Laboratory, Catalan Institute of Oncology
Classification: Benign for Hereditary cancer-predisposing syndrome. Last evaluated: 2025-04-22. Review status: criteria provided, single submitter. Criteria: ClinGen BRCA1BRCA2 ACMG Specifications BRCA2 V1.0.0. Collection method: clinical testing. Allele origin: germline.
Comment: BS1, BP1_Strong, BP5_Strong c.3445A>G, located outside any (potentially) clinically important functional domain of BRCA2, is predicted to result in the substitution of Methionine�by Valine�at�codon�1149,�p.(Met1149Val). In addition, the SpliceAI algorithm predicts no significant impact on splicing (BP1_Strong). The variant allele was found in 24/19246 alleles, with a filter allele frequency of 0.0106% at 99% confidence, within the East Asian population in the gnomAD v2.1.1 database (non-cancer data set) (BS1). This alteration was classified as a likely benign variant in a multifactorial likelihood analysis showing a Combined LR for clinical data indicative of strong evidence towards benign (LR 0.0241), co-occurrence LR 0.0576 and family history LR 0.419 (PMID: 31131967) (BP5_Strong). It has been identified in the ClinVar (6x benign, 12x likely benign), LOVD (2x benign, 4x likely benign, 2x NA, 18x uncertain significance) and BRCA Exchange (not yet reviewed) databases. Additional information has not been evaluated for this variant. Based on the currently available information, c.3445A>G is classified as a benign variant according to ClinGen-BRCA2 Guidelines version 1.

ARUP Laboratories, Molecular Genetics and Genomics, ARUP Laboratories
Classification: Benign. Last evaluated: 2025-03-18. Review status: criteria provided, single submitter. Criteria: ARUP Molecular Germline Variant Investigation Process 2024. Collection method: clinical testing. Allele origin: germline.

Center for Genomic Medicine, Rigshospitalet, Copenhagen University Hospital
Classification: Benign. Last evaluated: 2025-03-04. Review status: criteria provided, single submitter. Criteria: ACMG Guidelines, 2015. Collection method: clinical testing. Allele origin: germline.

Mayo Clinic Laboratories, Mayo Clinic
Classification: Benign. Last evaluated: 2025-02-14. Review status: criteria provided, single submitter. Criteria: ACMG Guidelines, 2015. Collection method: clinical testing. Allele origin: germline. Observed: 1 variant allele.
Comment: BA1, BP1_strong, BP5_strong

All of Us Research Program, National Institutes of Health
Classification: Likely benign for BRCA2-related cancer predisposition. Last evaluated: 2024-08-13. Review status: criteria provided, single submitter. Criteria: ACMG Guidelines, 2015. Collection method: clinical testing. Allele origin: germline. Inheritance: Autosomal dominant inheritance. Observed: 29 variant alleles, 29 heterozygotes.
Comment: This study involves interpretation of variants in research participants for the purpose of population health screening. Participant phenotype was not available at the time of variant classification. Additional details can be found in publication PMID: 35346344, PMCID: PMC8962531

CHEO Genetics Diagnostic Laboratory, Children's Hospital of Eastern Ontario
Classification: Likely benign for Breast and/or ovarian cancer. Last evaluated: 2023-01-17. Review status: criteria provided, single submitter. Criteria: ACMG Guidelines, 2015. Collection method: clinical testing. Allele origin: germline.

Quest Diagnostics Nichols Institute San Juan Capistrano
Classification: Benign. Last evaluated: 2022-10-21. Review status: criteria provided, single submitter. Criteria: Quest Diagnostics criteria. Collection method: clinical testing. Allele origin: unknown.

CeGaT Center for Human Genetics Tuebingen
Classification: Likely benign. Last evaluated: 2022-07-01. Review status: criteria provided, single submitter. Criteria: CeGaT Center For Human Genetics Tuebingen Variant Classification Criteria Version 2. Collection method: clinical testing. Allele origin: germline. Affected: yes. Observed: 1 variant allele.
Comment: BRCA2: BP4

National Health Laboratory Service, Universitas Academic Hospital and University of the Free State
Classification: Likely benign for Hereditary breast ovarian cancer syndrome. Last evaluated: 2021-11-16. Review status: criteria provided, single submitter. Criteria: ACMG Guidelines, 2015. Collection method: clinical testing. Allele origin: germline. Affected: yes. Observed: 3 variant alleles.

GeneDx
Classification: Likely benign. Last evaluated: 2021-01-28. Review status: criteria provided, single submitter. Criteria: GeneDx Variant Classification Process June 2021. Collection method: clinical testing. Allele origin: germline. Affected: yes.
Comment: This variant is associated with the following publications: (PMID: 24055113, 24728327, 18627636, 18431501, 22126563, 22293751, 17972177, 21120943, 25637381, 27376475, 28222693, 22486713, 21523855, 27633797, 10923033, 30093976)

Genetics and Molecular Pathology, SA Pathology
Classification: Likely benign for Breast-ovarian cancer, familial, susceptibility to, 2. Last evaluated: 2020-10-14. Review status: criteria provided, single submitter. Criteria: ACMG Guidelines, 2015. Collection method: clinical testing. Allele origin: germline. Inheritance: Autosomal dominant inheritance. Affected: yes.
Comment: The BRCA2 c.3445A>G variant is classified as Likely Benign (BP4, BP6) The BRCA2 c.3445A>G variant is a single nucleotide change in the BRCA2 gene, which is predicted to change the amino acid methionine at position 1149 in the protein to valine. Multiple lines of computational evidence suggest this variant has no impact on the gene or gene product (BP4). The variant has been reported in dbSNP (rs80358589) and has been reported as Conflicting interpretations of pathogenicity by other diagnostic laboratories (ClinVar Variation ID: 51465).

Sema4
Classification: Likely benign for Hereditary cancer-predisposing syndrome. Last evaluated: 2020-09-10. Review status: criteria provided, single submitter. Criteria: Sema4 Curation Guidelines. Collection method: curation. Allele origin: germline.

Mendelics
Classification: Benign for Breast-ovarian cancer, familial, susceptibility to, 2. Last evaluated: 2019-05-28. Review status: criteria provided, single submitter. Criteria: Mendelics Assertion Criteria 2017. Collection method: clinical testing. Allele origin: unknown.

Ambry Genetics
Classification: Likely benign for Hereditary cancer-predisposing syndrome. Last evaluated: 2018-10-31. Review status: criteria provided, single submitter. Criteria: Ambry Variant Classification Scheme 2023. Collection method: clinical testing. Allele origin: germline.